The following is an entry in ClinVar:

NM_001267550.2(TTN):c.107009G>C (p.Arg35670Thr)

Genes: TTN (titin; minus strand), TTN-AS1 (TTN antisense RNA 1; plus strand). Cytogenetic location: 2q31.2.
Variant type: single nucleotide variant.
Coding change: c.107009G>C on transcript NM_001267550.2 (MANE Select); coding-DNA position 107009, G replaced by C.
Protein change: p.Arg35670Thr; replaces arginine 35670 with threonine.
Molecular consequence: missense variant.
Genome position (GRCh38, 1-based): chr2:178,528,742, C>G on the plus strand (G>C on the coding strand, the complement: TTN is on the minus strand). VCF-style: chr2-178528742-C-G. GRCh37 (hg19) VCF-style: chr2-179393469-C-G.
Other names: c.102086G>C, p.Arg34029Thr (NM_001256850.1); c.79814G>C, p.Arg26605Thr (NM_003319.4); c.80189G>C, p.Arg26730Thr (NM_133432.3); c.80390G>C, p.Arg26797Thr (NM_133437.4); c.99305G>C, p.Arg33102Thr (NM_133378.4); short protein forms R33102T, R35670T, R26605T, R26730T, R26797T, R34029T.
Identifiers: ClinVar variation 179795 (VCV000179795.10), dbSNP rs534961012, ClinGen allele CA185149.

ClinVar aggregate classification (germline): Uncertain significance. Review status: criteria provided, multiple submitters, no conflicts (2 of 4 stars). 4 submissions from 4 submitters: Uncertain significance (3). 1 of the submissions does not count toward it. Last evaluated 2023-10-10.

Conditions:
Cardiovascular phenotype. Identifiers: MedGen CN230736.
TTN-related disorder. Also called: TTN-related disorders; TTN-related condition; TTN-related disease.

Allele frequency attached by ClinVar (database versions not stated): gnomAD exomes 0.00002 and 0.00003; gnomAD 0.00003 and 0.00006; ExAC 0.00004; TOPMed 0.00004; 1000 Genomes Project 30x 0.00031; 1000 Genomes Project 0.00040.
gnomAD v4.1: 54 of 1,613,252 alleles (0.0033%); highest among the groups gnomAD compares: African/African-American, 0.051%; 2 homozygotes.

Submissions (4):

Revvity Omics, Revvity
Classification: Uncertain significance. Last evaluated: 2023-10-10. Review status: criteria provided, single submitter. Criteria: ACMG Guidelines, 2015. Collection method: clinical testing. Allele origin: germline.

Ambry Genetics
Classification: Uncertain significance for Cardiovascular phenotype. Last evaluated: 2019-11-08. Review status: criteria provided, single submitter. Criteria: Ambry Variant Classification Scheme 2023. Collection method: clinical testing. Allele origin: germline.
Comment: The p.R26605T variant (also known as c.79814G>C), located in coding exon 187 of the TTN gene, results from a G to C substitution at nucleotide position 79814. The arginine at codon 26605 is replaced by threonine, an amino acid with similar properties. This amino acid position is poorly conserved in available vertebrate species. In addition, this alteration is predicted to be tolerated by in silico analysis. Since supporting evidence is limited at this time, the clinical significance of this alteration remains unclear.

Laboratory for Molecular Medicine, Mass General Brigham Personalized Medicine
Classification: Uncertain significance. Last evaluated: 2014-06-30. Review status: criteria provided, single submitter. Criteria: LMM Criteria. Collection method: clinical testing. Allele origin: germline. Observed: 1 variant allele.
Comment: The Arg33102Thr variant in TTN has not been previously reported in individuals w ith cardiomyopathy or in large population studies. Computational prediction tool s and conservation analysis suggest that the Arg33102Thr variant may not impact the protein, though this information is not predictive enough to rule out pathog enicity. In summary, the clinical significance of the Arg33102Thr variant is unc ertain.

PreventionGenetics, part of Exact Sciences
Classification: Uncertain significance for TTN-related condition. Last evaluated: 2023-12-13. Review status: no assertion criteria provided. Collection method: clinical testing. Allele origin: germline. Not counted in ClinVar's aggregate classification.
Comment: The TTN c.107009G>C variant is predicted to result in the amino acid substitution p.Arg35670Thr. To our knowledge, this variant has not been reported in the literature. This variant is reported in 0.033% of alleles in individuals of African descent in gnomAD. At this time, the clinical significance of this variant is uncertain due to the absence of conclusive functional and genetic evidence.